The following is an entry in ClinVar:

ClinVar aggregate classification (germline): Uncertain significance. Review status: criteria provided, multiple submitters, no conflicts (2 of 4 stars). 2 submissions from 2 submitters: Uncertain significance (2). Last evaluated 2024-11-10.

Conditions:
Hereditary pancreatitis (PCTT). Also called: Hereditary chronic pancreatitis; PRSS1-Related Hereditary Pancreatitis. Identifiers: Orphanet 676, MedGen C0238339, MONDO:0008185, OMIM 167800.

Allele frequency attached by ClinVar (database versions not stated): gnomAD exomes below 0.00001; gnomAD 0.00001; TOPMed 0.00003.

Submissions (2):

Labcorp Genetics (formerly Invitae), Labcorp
Classification: Uncertain significance for Hereditary pancreatitis. Last evaluated: 2024-11-10. Review status: criteria provided, single submitter. Criteria: Invitae Variant Classification Sherloc (09022015). Collection method: clinical testing. Allele origin: germline.
Comment: This sequence change falls in intron 1 of the CTRC gene. It does not directly change the encoded amino acid sequence of the CTRC protein. It affects a nucleotide within the consensus splice site. This variant is not present in population databases (gnomAD no frequency). This variant has not been reported in the literature in individuals affected with CTRC-related conditions. ClinVar contains an entry for this variant (Variation ID: 662237). Variants that disrupt the consensus splice site are a relatively common cause of aberrant splicing (PMID: 17576681, 9536098). Algorithms developed to predict the effect of sequence changes on RNA splicing suggest that this variant is not likely to affect RNA splicing. In summary, the available evidence is currently insufficient to determine the role of this variant in disease. Therefore, it has been classified as a Variant of Uncertain Significance.

Ambry Genetics
Classification: Uncertain significance for Hereditary pancreatitis. Last evaluated: 2022-04-19. Review status: criteria provided, single submitter. Criteria: Ambry Variant Classification Scheme 2023. Collection method: clinical testing. Allele origin: germline.
Comment: The c.40+4A>G intronic variant results from an A to G substitution 4 nucleotides after coding exon 1 in the CTRC gene. This nucleotide position is highly conserved in available vertebrate species. In silico splice site analysis predicts that this alteration will weaken the native splice donor site. Since supporting evidence is limited at this time, the clinical significance of this alteration remains unclear.

Literature cited by the submitters: PubMed 17576681 (cited by Labcorp Genetics (formerly Invitae), Labcorp); PubMed 9536098 (cited by Labcorp Genetics (formerly Invitae), Labcorp).

NM_007272.3(CTRC):c.40+4A>G

Gene: CTRC (chymotrypsin C; plus strand). Cytogenetic location: 1p36.21.
Variant type: single nucleotide variant.
Coding change: c.40+4A>G on transcript NM_007272.3 (MANE Select); 4 bases into the intron after coding-DNA position 40, A replaced by G.
Molecular consequence: intron variant.
Genome position (GRCh38, 1-based): chr1:15,438,508, A>G. VCF-style: chr1-15438508-A-G. GRCh37 (hg19) VCF-style: chr1-15765004-A-G.
Identifiers: ClinVar variation 662237 (VCV000662237.5), dbSNP rs1222161661, ClinGen allele CA889548028.